The following is an entry in ClinVar:

NM_182476.3(COQ6):c.1301A>G (p.Tyr434Cys)

Genes: COQ6 (coenzyme Q6, monooxygenase; plus strand), ENTPD5 (ectonucleoside triphosphate diphosphohydrolase 5; minus strand). Cytogenetic location: 14q24.3.
Variant type: single nucleotide variant.
Coding change: c.1301A>G on transcript NM_182476.3 (MANE Select); coding-DNA position 1301, A replaced by G.
Protein change: p.Tyr434Cys; replaces tyrosine 434 with cysteine.
Molecular consequence: missense variant. On other transcripts: intron variant (7).
Genome position (GRCh38, 1-based): chr14:73,961,827, A>G. VCF-style: chr14-73961827-A-G. GRCh37 (hg19) VCF-style: chr14-74428530-A-G.
Other names: c.1193A>G, p.Tyr398Cys (NM_001425256.1); c.1136A>G, p.Tyr379Cys (NM_001425257.1); c.1118A>G, p.Tyr373Cys (NM_001425258.1); c.1076A>G, p.Tyr359Cys (NM_001425259.1, NM_001425260.1, NM_001425261.1); c.1046A>G, p.Tyr349Cys (NM_001425262.1); c.974A>G, p.Tyr325Cys (NM_001425263.1); c.761A>G, p.Tyr254Cys (NM_001425264.1, NM_001425265.1); c.1226A>G, p.Tyr409Cys (NM_182480.3); and 5 more; short protein forms Y409C, Y434C.
Identifiers: ClinVar variation 1479470 (VCV001479470.6), dbSNP rs775080601, ClinGen allele CA7264498.

ClinVar aggregate classification (germline): Uncertain significance (1 of 4 stars; one submission).

Allele frequency attached by ClinVar (database versions not stated): gnomAD exomes below 0.00001; TOPMed below 0.00001; ExAC 0.00001.
gnomAD v4.1: 2 of 1,614,170 alleles (0.00012%); highest among the groups gnomAD compares: East Asian, 0.0022%; no homozygotes.

Submission:

Labcorp Genetics (formerly Invitae), Labcorp
Classification: Uncertain significance. Last evaluated: 2022-03-04. Review status: criteria provided, single submitter. Criteria: Invitae Variant Classification Sherloc (09022015). Collection method: clinical testing. Allele origin: germline.
Comment: Algorithms developed to predict the effect of missense changes on protein structure and function (SIFT, PolyPhen-2, Align-GVGD) all suggest that this variant is likely to be disruptive. This sequence change replaces tyrosine, which is neutral and polar, with cysteine, which is neutral and slightly polar, at codon 434 of the COQ6 protein (p.Tyr434Cys). This variant is present in population databases (rs775080601, gnomAD 0.007%). This variant has not been reported in the literature in individuals affected with COQ6-related conditions. In summary, the available evidence is currently insufficient to determine the role of this variant in disease. Therefore, it has been classified as a Variant of Uncertain Significance.